The following is an entry in ClinVar:

ClinVar aggregate classification (germline): Conflicting classifications of pathogenicity. Review status: criteria provided, conflicting classifications (1 of 4 stars). 2 submissions from 2 submitters: Uncertain significance (1); Likely benign (1). Last evaluated 2023-06-15.

Conditions:
Cardiovascular phenotype. Identifiers: MedGen CN230736.
Naxos disease (NXD). Also called: CARDIOMYOPATHY, ARRHYTHMOGENIC RIGHT VENTRICULAR, WITH SKIN, HAIR, AND NAIL ABNORMALITIES; PALMOPLANTAR KERATODERMA WITH ARRHYTHMOGENIC RIGHT VENTRICULAR CARDIOMYOPATHY AND WOOLLY HAIR; WOOLLY HAIR, PALMOPLANTAR KERATODERMA, AND CARDIAC ABNORMALITIES; KERATOSIS PALMOPLANTARIS WITH ARRHYTHMOGENIC CARDIOMYOPATHY; MAL DE NAXOS. Identifiers: Orphanet 34217, MedGen C1832600, MONDO:0011017, OMIM 601214.
Arrhythmogenic right ventricular dysplasia 12. Also called: ARRHYTHMOGENIC RIGHT VENTRICULAR DYSPLASIA, FAMILIAL, 12. Identifiers: MedGen C1969081, MONDO:0012684, OMIM 611528.

Allele frequency attached by ClinVar (database versions not stated): ExAC 0.00001; gnomAD 0.00001; gnomAD exomes 0.00001 and 0.00002.
gnomAD v4.1: 10 of 1,613,196 alleles (0.00062%); highest among the groups gnomAD compares: East Asian, 0.018%; no homozygotes.

Submissions (2):

Labcorp Genetics (formerly Invitae), Labcorp
Classification: Uncertain significance for Arrhythmogenic right ventricular dysplasia 12; Naxos disease. Last evaluated: 2023-06-15. Review status: criteria provided, single submitter. Criteria: Invitae Variant Classification Sherloc (09022015). Collection method: clinical testing. Allele origin: germline.
Comment: In summary, the available evidence is currently insufficient to determine the role of this variant in disease. Therefore, it has been classified as a Variant of Uncertain Significance. An algorithm developed to predict the effect of missense changes on protein structure and function (PolyPhen-2) suggests that this variant¬†is likely to be tolerated. ClinVar contains an entry for this variant (Variation ID: 1444926). This variant has not been reported in the literature in individuals affected with JUP-related conditions. This variant is present in population databases (rs781999758, gnomAD 0.03%). This sequence change replaces threonine, which is neutral and polar, with alanine, which is neutral and non-polar, at codon 201 of the JUP protein (p.Thr201Ala).

Ambry Genetics
Classification: Likely benign for Cardiovascular phenotype. Last evaluated: 2022-10-02. Review status: criteria provided, single submitter. Criteria: Ambry Variant Classification Scheme 2023. Collection method: clinical testing. Allele origin: germline.

NM_002230.4(JUP):c.601A>G (p.Thr201Ala)

Gene: JUP (junction plakoglobin; minus strand). Cytogenetic location: 17q21.2.
Variant type: single nucleotide variant.
Coding change: c.601A>G on transcript NM_002230.4 (MANE Select); coding-DNA position 601, A replaced by G.
Protein change: p.Thr201Ala; replaces threonine 201 with alanine.
Molecular consequence: missense variant.
Genome position (GRCh38, 1-based): chr17:41,769,075, T>C on the plus strand (A>G on the coding strand, the complement: JUP is on the minus strand). VCF-style: chr17-41769075-T-C. GRCh37 (hg19) VCF-style: chr17-39925327-T-C.
Other names: c.601A>G, p.Thr201Ala (NM_001352773.2, NM_001352774.2, NM_001352775.2 and 3 more transcripts); short protein forms T201A.
Identifiers: ClinVar variation 1444926 (VCV001444926.6), dbSNP rs781999758, ClinGen allele CA8565434.